The following is an entry in ClinVar:

ClinVar aggregate classification (germline): Uncertain significance (1 of 4 stars; one submission).

Conditions:
Ullrich congenital muscular dystrophy 2 (UCMD2). Identifiers: Orphanet 75840, MedGen C4225314, MONDO:0014654, OMIM 616470.
Bethlem myopathy 2 (BTHLM2). Identifiers: Orphanet 536516, Orphanet 610, MedGen C4225313, MONDO:0034022, OMIM 616471.

Submission:

Labcorp Genetics (formerly Invitae), Labcorp
Classification: Uncertain significance for Bethlem myopathy 2; Ullrich congenital muscular dystrophy 2. Last evaluated: 2022-11-17. Review status: criteria provided, single submitter. Criteria: Invitae Variant Classification Sherloc (09022015). Collection method: clinical testing. Allele origin: germline.
Comment: In summary, the available evidence is currently insufficient to determine the role of this variant in disease. Therefore, it has been classified as a Variant of Uncertain Significance. Advanced modeling of protein sequence and biophysical properties (such as structural, functional, and spatial information, amino acid conservation, physicochemical variation, residue mobility, and thermodynamic stability) performed at Invitae indicates that this missense variant is not expected to disrupt COL12A1 protein function. This variant has not been reported in the literature in individuals affected with COL12A1-related conditions. This variant is not present in population databases (gnomAD no frequency). This sequence change replaces isoleucine, which is neutral and non-polar, with threonine, which is neutral and polar, at codon 1727 of the COL12A1 protein (p.Ile1727Thr).

NM_004370.6(COL12A1):c.5180T>C (p.Ile1727Thr)

Gene: COL12A1 (collagen type XII alpha 1 chain; minus strand). Cytogenetic location: 6q13.
Variant type: single nucleotide variant.
Coding change: c.5180T>C on transcript NM_004370.6 (MANE Select); coding-DNA position 5180, T replaced by C.
Protein change: p.Ile1727Thr; replaces isoleucine 1727 with threonine.
Molecular consequence: missense variant.
Genome position (GRCh38, 1-based): chr6:75,138,498, A>G on the plus strand (T>C on the coding strand, the complement: COL12A1 is on the minus strand). VCF-style: chr6-75138498-A-G. GRCh37 (hg19) VCF-style: chr6-75848214-A-G.
Other names: c.5180T>C, p.Ile1727Thr (NM_001424113.1, NM_001424114.1); c.4907T>C, p.Ile1636Thr (NM_001424115.1); c.1688T>C, p.Ile563Thr (NM_001424116.1, NM_080645.3); short protein forms I1727T, I1636T, I563T.
Identifiers: ClinVar variation 2941630 (VCV002941630.3), dbSNP rs752550335, ClinGen allele CA364738925.
Genomic context (GRCh38, chr6:75,138,498, plus strand): 5'-AAACACCTACGTGTGCGCTCACTGCCAATCAGGTCATCACTTTCTGACTCATCAGGATAG[A>G]TGGCAGTAATGGAAACTTCATAGATGGTGTTGGGGTTCAGGTTTTCGAACACCAAAGTGT-3'
Protein context (NP_004361.3, residues 1717-1737): NTIYEVSITA[Ile1727Thr]YPDESESDDL